The following is an entry in ClinVar:

ClinVar aggregate classification (germline): Likely benign (1 of 4 stars; one submission).

Allele frequency attached by ClinVar (database versions not stated): 1000 Genomes Project 30x 0.00016; 1000 Genomes Project 0.00020; gnomAD exomes 0.00059; TOPMed 0.00068; gnomAD 0.00073.
gnomAD v4.1: 141 of 233,140 alleles (0.06%); highest among the groups gnomAD compares: Non-Finnish European, 0.1%; no homozygotes.

Submission:

CeGaT Center for Human Genetics Tuebingen
Classification: Likely benign. Last evaluated: 2023-02-01. Review status: criteria provided, single submitter. Criteria: CeGaT Center For Human Genetics Tuebingen Variant Classification Criteria Version 2. Collection method: clinical testing. Allele origin: germline. Affected: yes. Observed: 2 variant alleles.
Comment: KRAS: BS1

NM_033360.4(KRAS):c.*1826C>G

Gene: KRAS (KRas proto-oncogene, GTPase; minus strand). Cytogenetic location: 12p12.1.
Variant type: single nucleotide variant.
Coding change: c.*1826C>G on transcript NM_033360.4 (MANE Plus Clinical); 1826 bases downstream of the stop codon, C replaced by G.
Molecular consequence: 3 prime UTR variant.
Genome position (GRCh38, 1-based): chr12:25,208,090, G>C on the plus strand (C>G on the coding strand, the complement: KRAS is on the minus strand). VCF-style: chr12-25208090-G-C. GRCh37 (hg19) VCF-style: chr12-25361024-G-C.
Other names: c.*1826C>G (NM_001369786.1, LRG_344t2); c.*1705C>G (NM_001369787.1, NM_004985.5, LRG_344t1).
Identifiers: ClinVar variation 308098 (VCV000308098.29), dbSNP rs539213224, ClinGen allele CA10640721.